The following is an entry in ClinVar:

ClinVar aggregate classification (germline): Likely benign. Review status: criteria provided, multiple submitters, no conflicts (2 of 4 stars). 2 submissions from 2 submitters: Likely benign (2). Last evaluated 2018-01-13.

Conditions:
Congenital isolated adrenocorticotropic hormone deficiency. Also called: ACTH DEFICIENCY, ISOLATED; ACTH deficiency; Adrenocorticotropic hormone deficiency. Identifiers: Orphanet 199296, MedGen C0342388, MONDO:0008720, OMIM 201400, HP:0011748.

Allele frequency attached by ClinVar (database versions not stated): gnomAD exomes 0.00035; gnomAD 0.00320 and 0.00347; 1000 Genomes Project 0.00359; TOPMed 0.00380; 1000 Genomes Project 30x 0.00390.
gnomAD v4.1: 626 of 538,930 alleles (0.12%); highest among the groups gnomAD compares: African/African-American, 1.1%; 2 homozygotes.

Submissions (2):

Illumina Laboratory Services, Illumina
Classification: Likely benign for Congenital isolated adrenocorticotropic hormone deficiency. Last evaluated: 2018-01-13. Review status: criteria provided, single submitter. Criteria: ICSL Variant Classification Criteria 13 December 2019. Collection method: clinical testing. Allele origin: germline.
Comment: This variant was observed in the ICSL laboratory as part of a predisposition screen in an ostensibly healthy population. It had not been previously curated by ICSL or reported in the Human Gene Mutation Database (HGMD: prior to June 1st, 2018), and was therefore a candidate for classification through an automated scoring system. Utilizing variant allele frequency, disease prevalence and penetrance estimates, and inheritance mode, an automated score was calculated to assess if this variant is too frequent to cause the disease. Based on the score and internal cut-off values, a variant classified as likely benign is not then subjected to further curation. The score for this variant resulted in a classification of likely benign for this disease.

Breakthrough Genomics
Classification: Likely benign. Review status: criteria provided, single submitter. Criteria: ACMG Guidelines, 2015. Collection method: not provided. Allele origin: germline. Inheritance: Autosomal recessive inheritance. Affected: yes.

NM_005149.3(TBX19):c.*267A>G

Gene: TBX19 (T-box transcription factor 19; plus strand). Cytogenetic location: 1q24.2.
Variant type: single nucleotide variant.
Coding change: c.*267A>G on transcript NM_005149.3 (MANE Select); 267 bases downstream of the stop codon, A replaced by G.
Molecular consequence: 3 prime UTR variant.
Genome position (GRCh38, 1-based): chr1:168,313,269, A>G. VCF-style: chr1-168313269-A-G. GRCh37 (hg19) VCF-style: chr1-168282507-A-G.
Identifiers: ClinVar variation 293487 (VCV000293487.6), dbSNP rs146307337, ClinGen allele CA10608616.
Genomic context (GRCh38, chr1:168,313,269, plus strand): 5'-CTGCACTCCCATTTTCTCTGCAGCTTATTCTTGCCATGCTTAGGTGACAGAAGTTTGTTA[A>G]GTACCATCCTTGTGCCCTGCCTCTTATTCTCAAATCGTTCTGGAAAGCCTCACTTCCTTT-3'